The following is an entry in ClinVar:

NM_004592.4(SFSWAP):c.1512G>A (p.Gln504=)

Gene: SFSWAP (splicing factor SWAP; plus strand). Cytogenetic location: 12q24.33.
Variant type: single nucleotide variant.
Coding change: c.1512G>A on transcript NM_004592.4 (MANE Select); coding-DNA position 1512, G replaced by A.
Protein change: p.Gln504=; no amino-acid change (glutamine 504 retained).
Molecular consequence: synonymous variant.
Genome position (GRCh38, 1-based): chr12:131,755,443, G>A. VCF-style: chr12-131755443-G-A. GRCh37 (hg19) VCF-style: chr12-132239988-G-A.
Other names: c.1512G>A, p.Gln504= (NM_001261411.2).
Identifiers: ClinVar variation 2643604 (VCV002643604.24), dbSNP rs139034136, ClinGen allele CA6881144.

ClinVar aggregate classification (germline): Likely benign (1 of 4 stars; one submission).

Allele frequency attached by ClinVar (database versions not stated): 1000 Genomes Project 0.00040; 1000 Genomes Project 30x 0.00047; gnomAD 0.00113; ExAC 0.00114; TOPMed 0.00118; ESP Exome Variant Server 0.00138; gnomAD exomes 0.00206.
gnomAD v4.1: 3,212 of 1,613,958 alleles (0.2%); highest among the groups gnomAD compares: Non-Finnish European, 0.25%; 9 homozygotes.

Submission:

CeGaT Center for Human Genetics Tuebingen
Classification: Likely benign. Last evaluated: 2022-06-01. Review status: criteria provided, single submitter. Criteria: CeGaT Center For Human Genetics Tuebingen Variant Classification Criteria Version 2. Collection method: clinical testing. Allele origin: germline. Affected: yes. Observed: 1 variant allele.
Comment: SFSWAP: BP4, BP7